The following is an entry in ClinVar:

ClinVar aggregate classification (germline): Uncertain significance (1 of 4 stars; one submission).

Conditions:
Long QT syndrome (LQTS). Identifiers: MedGen C0023976, MeSH D008133, MONDO:0002442. Disease mechanism: loss of function. Inheritance: Various modes of inheritance.

gnomAD v4.1: 4 of 1,614,142 alleles (0.00025%); highest among the groups gnomAD compares: Non-Finnish European, 0.00034%; no homozygotes.

Submission:

Labcorp Genetics (formerly Invitae), Labcorp
Classification: Uncertain significance for Long QT syndrome. Last evaluated: 2022-04-19. Review status: criteria provided, single submitter. Criteria: Invitae Variant Classification Sherloc (09022015). Collection method: clinical testing. Allele origin: germline.
Comment: In summary, the available evidence is currently insufficient to determine the role of this variant in disease. Therefore, it has been classified as a Variant of Uncertain Significance. This variant disrupts the p.Arg823 amino acid residue in KCNH2. Other variant(s) that disrupt this residue have been determined to be pathogenic (PMID: 10973849, 11854117, 16831322, 19695459, 19716085). This suggests that this residue is clinically significant, and that variants that disrupt this residue are likely to be disease-causing. Algorithms developed to predict the effect of missense changes on protein structure and function are either unavailable or do not agree on the potential impact of this missense change (SIFT: "Deleterious"; PolyPhen-2: "Probably Damaging"; Align-GVGD: "Class C0"). This variant has not been reported in the literature in individuals affected with KCNH2-related conditions. This variant is not present in population databases (gnomAD no frequency). This sequence change replaces arginine, which is basic and polar, with leucine, which is neutral and non-polar, at codon 823 of the KCNH2 protein (p.Arg823Leu).

Literature cited by the submitters: PubMed 10973849; PubMed 11854117; PubMed 16831322; PubMed 19695459; PubMed 19716085.

NM_000238.4(KCNH2):c.2468G>T (p.Arg823Leu)

Gene: KCNH2 (potassium voltage-gated channel subfamily H member 2; minus strand). Cytogenetic location: 7q36.1.
Variant type: single nucleotide variant.
Coding change: c.2468G>T on transcript NM_000238.4 (MANE Select); coding-DNA position 2468, G replaced by T.
Protein change: p.Arg823Leu; replaces arginine 823 with leucine.
Molecular consequence: missense variant.
Genome position (GRCh38, 1-based): chr7:150,948,980, C>A on the plus strand (G>T on the coding strand, the complement: KCNH2 is on the minus strand). VCF-style: chr7-150948980-C-A. GRCh37 (hg19) VCF-style: chr7-150646068-C-A.
Other names: c.2180G>T, p.Arg727Leu (NM_001406753.1); c.1448G>T, p.Arg483Leu (NM_172057.3); short protein forms R483L, R727L, R823L.
Identifiers: ClinVar variation 2415860 (VCV002415860.6), dbSNP rs1064793147, ClinGen allele CA369855170.